The following is an entry in ClinVar:

ClinVar aggregate classification (germline): Likely benign (1 of 4 stars; one submission).

Submission:

CeGaT Center for Human Genetics Tuebingen
Classification: Likely benign. Last evaluated: 2026-04-01. Review status: criteria provided, single submitter. Criteria: CeGaT Center For Human Genetics Tuebingen Variant Classification Criteria Version 2. Collection method: clinical testing. Allele origin: germline. Affected: yes. Observed: 1 variant allele.
Comment: RNU4-2: BS2

NR_003137.3(RNU4-2):n.115G>A

Genes: RNU4-2 (RNA, U4 small nuclear 2; minus strand), SIRT4 (sirtuin 4; plus strand). Cytogenetic location: 12q24.23.
Variant type: single nucleotide variant.
Molecular consequence: non-coding transcript variant (on NR_003137.3).
Genome position: GRCh38 VCF-style: chr12-120291789-C-T. GRCh37 (hg19) VCF-style: chr12-120729592-C-T.
Identifiers: ClinVar variation 4874406 (VCV004874406.2).
Genomic context (GRCh38, chr12:120,291,789, plus strand): 5'-TAAAACCCTTTTCTTTAGACTTTTAAAAATTCAGTCTCCGTAGAGACTGTCAAAAATTGC[C>T]AATGCCGACTATATTTCAAGTCGTCATGGCGGGGTATTGGGAAAAGTTTTCAATTAGCAA-3'